The following is an entry in ClinVar:

ClinVar aggregate classification (germline): Uncertain significance (1 of 4 stars; one submission).

Submission:

GeneDx
Classification: Uncertain significance. Last evaluated: 2022-10-12. Review status: criteria provided, single submitter. Criteria: GeneDx Variant Classification Process June 2021. Collection method: clinical testing. Allele origin: germline. Affected: yes.
Comment: Not observed at significant frequency in large population cohorts (gnomAD); In silico analysis supports that this missense variant does not alter protein structure/function; Has not been previously published as pathogenic or benign to our knowledge

NM_003024.3(ITSN1):c.1930A>G (p.Lys644Glu)

Gene: ITSN1 (intersectin 1; plus strand). Cytogenetic location: 21q22.11.
Variant type: single nucleotide variant.
Coding change: c.1930A>G on transcript NM_003024.3 (MANE Select); coding-DNA position 1930, A replaced by G.
Protein change: p.Lys644Glu; replaces lysine 644 with glutamic acid.
Molecular consequence: missense variant.
Genome position (GRCh38, 1-based): chr21:33,794,446, A>G. VCF-style: chr21-33794446-A-G. GRCh37 (hg19) VCF-style: chr21-35166750-A-G.
Other names: c.1930A>G, p.Lys644Glu (NM_001001132.2, NM_001331008.2, NM_001331009.2 and 2 more transcripts); c.1819A>G, p.Lys607Glu (NM_001331012.2); short protein forms K607E, K644E.
Identifiers: ClinVar variation 2499332 (VCV002499332.1), dbSNP rs2517725728, ClinGen allele CA410130936.